The following is an entry in ClinVar:

NM_006231.4(POLE):c.5702A>G (p.His1901Arg)

Gene: POLE (DNA polymerase epsilon, catalytic subunit; minus strand). Cytogenetic location: 12q24.33.
Variant type: single nucleotide variant.
Coding change: c.5702A>G on transcript NM_006231.4 (MANE Select); coding-DNA position 5702, A replaced by G.
Protein change: p.His1901Arg; replaces histidine 1901 with arginine.
Molecular consequence: missense variant.
Genome position (GRCh38, 1-based): chr12:132,636,001, T>C on the plus strand (A>G on the coding strand, the complement: POLE is on the minus strand). VCF-style: chr12-132636001-T-C. GRCh37 (hg19) VCF-style: chr12-133212587-T-C.
Other names: short protein forms H1901R.
Identifiers: ClinVar variation 2605753 (VCV002605753.5), dbSNP rs2138486929, ClinGen allele CA387373216.

ClinVar aggregate classification (germline): Uncertain significance. Review status: criteria provided, multiple submitters, no conflicts (2 of 4 stars). 2 submissions from 2 submitters: Uncertain significance (2). Last evaluated 2023-11-20.

Conditions:
Hereditary cancer-predisposing syndrome. Also called: Tumor predisposition; Hereditary Cancer Syndrome; Hereditary neoplastic syndrome; Neoplastic Syndromes, Hereditary. Identifiers: Orphanet 140162, MedGen C0027672, MeSH D009386, MONDO:0015356.

Submissions (2):

Labcorp Genetics (formerly Invitae), Labcorp
Classification: Uncertain significance. Last evaluated: 2023-11-20. Review status: criteria provided, single submitter. Criteria: Invitae Variant Classification Sherloc (09022015). Collection method: clinical testing. Allele origin: germline.
Comment: This sequence change replaces histidine, which is basic and polar, with arginine, which is basic and polar, at codon 1901 of the POLE protein (p.His1901Arg). This variant is not present in population databases (gnomAD no frequency). This variant has not been reported in the literature in individuals affected with POLE-related conditions. Advanced modeling of protein sequence and biophysical properties (such as structural, functional, and spatial information, amino acid conservation, physicochemical variation, residue mobility, and thermodynamic stability) performed at Invitae indicates that this missense variant is not expected to disrupt POLE protein function with a negative predictive value of 80%. In summary, the available evidence is currently insufficient to determine the role of this variant in disease. Therefore, it has been classified as a Variant of Uncertain Significance.

Ambry Genetics
Classification: Uncertain significance for Hereditary cancer-predisposing syndrome. Last evaluated: 2023-08-04. Review status: criteria provided, single submitter. Criteria: Ambry Variant Classification Scheme 2023. Collection method: clinical testing. Allele origin: germline.
Comment: The p.H1901R variant (also known as c.5702A>G), located in coding exon 42 of the POLE gene, results from an A to G substitution at nucleotide position 5702. The histidine at codon 1901 is replaced by arginine, an amino acid with highly similar properties. This amino acid position is conserved. In addition, the in silico prediction for this alteration is inconclusive. Since supporting evidence is limited at this time, the clinical significance of this alteration remains unclear.